The following is an entry in ClinVar:

NM_000092.5(COL4A4):c.4349T>C (p.Ile1450Thr)

Gene: COL4A4 (collagen type IV alpha 4 chain; minus strand). Cytogenetic location: 2q36.3.
Variant type: single nucleotide variant.
Coding change: c.4349T>C on transcript NM_000092.5 (MANE Select); coding-DNA position 4349, T replaced by C.
Protein change: p.Ile1450Thr; replaces isoleucine 1450 with threonine.
Molecular consequence: missense variant.
Genome position (GRCh38, 1-based): chr2:227,010,486, A>G on the plus strand (T>C on the coding strand, the complement: COL4A4 is on the minus strand). VCF-style: chr2-227010486-A-G. GRCh37 (hg19) VCF-style: chr2-227875202-A-G.
Other names: short protein forms I1450T.
Identifiers: ClinVar variation 334705 (VCV000334705.28), dbSNP rs72969704, ClinGen allele CA2144186.

ClinVar aggregate classification (germline): Conflicting classifications of pathogenicity. Review status: criteria provided, conflicting classifications (1 of 4 stars). 9 submissions from 9 submitters: Uncertain significance (1); Benign (1); Likely benign (4). 3 of the submissions do not count toward it. Last evaluated 2026-01-26.

Conditions:
COL4A4-related disorder.
Inborn genetic diseases. Identifiers: MedGen C0950123, MeSH D030342.
Alport syndrome. Also called: Hemorrhagic familial nephritis; Hemorrhagic hereditary nephritis; Congenital hereditary hematuria. Identifiers: Orphanet 63, MedGen C1567741, MONDO:0018965.

Allele frequency attached by ClinVar (database versions not stated): 1000 Genomes Project 0.00020; ESP Exome Variant Server 0.00025; 1000 Genomes Project 30x 0.00031; gnomAD 0.00038; TOPMed 0.00052.
gnomAD v4.1: 1,348 of 1,586,956 alleles (0.085%); highest among the groups gnomAD compares: Non-Finnish European, 0.11%; 2 homozygotes.

Submissions (9):

Labcorp Genetics (formerly Invitae), Labcorp
Classification: Benign. Last evaluated: 2026-01-26. Review status: criteria provided, single submitter. Criteria: Invitae Variant Classification Sherloc (09022015). Collection method: clinical testing. Allele origin: germline.

Mayo Clinic Laboratories, Mayo Clinic
Classification: Likely benign. Last evaluated: 2025-10-08. Review status: criteria provided, single submitter. Criteria: ACMG Guidelines, 2015. Collection method: clinical testing. Allele origin: germline. Observed: 1 variant allele.
Comment: BS1, BP4_moderate

Ambry Genetics
Classification: Likely benign for Inborn genetic diseases. Last evaluated: 2022-01-05. Review status: criteria provided, single submitter. Criteria: Ambry Variant Classification Scheme 2023. Collection method: clinical testing. Allele origin: germline.

GeneDx
Classification: Likely benign. Last evaluated: 2019-07-24. Review status: criteria provided, single submitter. Criteria: GeneDx Variant Classification Process June 2021. Collection method: clinical testing. Allele origin: germline. Affected: yes.

Laboratory for Molecular Medicine, Mass General Brigham Personalized Medicine
Classification: Likely benign. Last evaluated: 2018-03-21. Review status: criteria provided, single submitter. Criteria: LMM Criteria. Collection method: clinical testing. Allele origin: germline. Observed: 1 variant allele.
Comment: p.Ile1450Thr in exon 46 of COL4A4: This variant is classified as likely benign d ue to a lack of conservation across species, including mammals. Of note, >10 mam mals have a Threonine (Thr) at this position despite high nearby amino acid cons ervation. In addition, computational prediction tools do not suggest a high like lihood of impact to the protein. This variant has been identified in 69/115858 E uropean chromosomes by the Genome Aggregation Database (gnomAD; dbSNP rs72969704). ACMG/AMP Criteria applied: BP4_Strong.

Illumina Laboratory Services, Illumina
Classification: Uncertain significance for Alport syndrome. Last evaluated: 2018-01-13. Review status: criteria provided, single submitter. Criteria: ICSL Variant Classification Criteria 13 December 2019. Collection method: clinical testing. Allele origin: germline.

PreventionGenetics, part of Exact Sciences
Classification: Uncertain significance for COL4A4-related condition. Last evaluated: 2024-08-22. Review status: no assertion criteria provided. Collection method: clinical testing. Allele origin: germline. Not counted in ClinVar's aggregate classification.
Comment: The COL4A4 c.4349T>C variant is predicted to result in the amino acid substitution p.Ile1450Thr. To our knowledge, this variant has not been reported in the literature. This variant is reported in 0.059% of alleles in individuals of European (Non-Finnish) descent in gnomAD v2 (as displayed in the table above). However, in gnomAD v4 (available only on GRCh38), this variant is reported in 0.106% of alleles in a subpopulation, including 2 homozygotes. This population data is not consistent with this variant being a primary cause of disease. Although we suspect that this variant may be benign, at this time, the clinical significance of this variant is uncertain due to the absence of conclusive functional and genetic evidence.

Clinical Genetics DNA and cytogenetics Diagnostics Lab, Erasmus MC, Erasmus Medical Center
Classification: Likely benign. Review status: no assertion criteria provided. Collection method: clinical testing. Allele origin: germline. Affected: yes. Study: VKGL Data-share Consensus. Not counted in ClinVar's aggregate classification.

Joint Genome Diagnostic Labs from Nijmegen and Maastricht, Radboudumc and MUMC+
Classification: Likely benign. Review status: no assertion criteria provided. Collection method: clinical testing. Allele origin: germline. Affected: yes. Study: VKGL Data-share Consensus. Not counted in ClinVar's aggregate classification.